The following is an entry in ClinVar:

NM_000431.4(MVK):c.788C>G (p.Pro263Arg)

Gene: MVK (mevalonate kinase; plus strand). Cytogenetic location: 12q24.11.
Variant type: single nucleotide variant.
Coding change: c.788C>G on transcript NM_000431.4 (MANE Select); coding-DNA position 788, C replaced by G.
Protein change: p.Pro263Arg; replaces proline 263 with arginine.
Molecular consequence: missense variant. On other transcripts: non-coding transcript variant (4).
Genome position (GRCh38, 1-based): chr12:109,591,260, C>G. VCF-style: chr12-109591260-C-G. GRCh37 (hg19) VCF-style: chr12-110029065-C-G.
Other names: c.788C>G, p.Pro263Arg (NM_001114185.3, NM_001414511.1, NM_001414513.1); c.632C>G, p.Pro211Arg (NM_001301182.2, NM_001414514.1); c.863C>G, p.Pro288Arg (NM_001414512.1); c.206C>G, p.Pro69Arg (NM_001414515.1); short protein forms P211R, P263R, P288R, P69R.
Identifiers: ClinVar variation 3376474 (VCV003376474.4).

ClinVar aggregate classification (germline): Uncertain significance. Review status: criteria provided, multiple submitters, no conflicts (2 of 4 stars). 4 submissions from 3 submitters: Uncertain significance (4). Last evaluated 2025-09-10.

Conditions:
Mevalonic aciduria (MEVA). Identifiers: Orphanet 29, MedGen C1959626, MONDO:0012481, OMIM 610377.
Hyperimmunoglobulin D with periodic fever (HIDS). Also called: Hyperimmunoglobulinemia D; HYPERIMMUNOGLOBULINEMIA D AND PERIODIC FEVER SYNDROME; Hyperimmunoglobulinemia D with periodic fever. Identifiers: Orphanet 343, MedGen C0398691, MONDO:0009849, OMIM 260920.
Nemaline myopathy 6 (NEM6). Also called: Nemaline myopathy 6, autosomal dominant. Identifiers: Orphanet 171439, MedGen C1836472, MONDO:0012237, OMIM 609273.

gnomAD v4.1: 3 of 1,614,244 alleles (0.00019%); highest among the groups gnomAD compares: Non-Finnish European, 0.00017%; no homozygotes.

Submissions (4):

Genomic Medicine Center of Excellence, King Faisal Specialist Hospital and Research Centre
Classification: Uncertain significance for Hyperimmunoglobulin D with periodic fever. Last evaluated: 2025-09-10. Review status: criteria provided, single submitter. Criteria: ACMG Guidelines, 2015. Collection method: clinical testing. Allele origin: germline.

Genomic Medicine Center of Excellence, King Faisal Specialist Hospital and Research Centre
Classification: Uncertain significance for Nemaline myopathy 6. Last evaluated: 2024-12-17. Review status: criteria provided, single submitter. Criteria: ACMG Guidelines, 2015. Collection method: clinical testing. Allele origin: germline.

Pittsburgh Clinical Genomics Laboratory, University of Pittsburgh Medical Center
Classification: Uncertain significance for Mevalonic aciduria. Last evaluated: 2024-03-22. Review status: criteria provided, single submitter. Criteria: ACMG Guidelines, 2015. Collection method: clinical testing. Allele origin: germline. Inheritance: Autosomal unknown. Affected: yes.
Comment: This sequence variant is a single nucleotide substitution (C>G) at position 788 of the coding sequence of the MVK gene that results in a proline to arginine amino acid change at residue 263 of the mevalonate kinase protein. This variant is absent from ClinVar and has not been observed in individuals affected by an MVK-related disorder in the published literature, to our knowledge. This variant is present in 3 of 1461882 alleles (0.0002%) in the gnomAD v4.0.0 population dataset. Multiple bioinformatic tools predict that this amino acid change would be damaging, and the Pro263 residue at this position is moderately conserved across the vertebrate species examined. Studies examining the functional consequence of this variant have not been published, to our knowledge. At this time, there is insufficient evidence to determine if this variant is pathogenic or benign. Therefore, we consider this a variant of uncertain significance. ACMG Criteria: PM2, PM3, PP3

Blueprint Genetics
Classification: Uncertain significance. Last evaluated: 2024-03-04. Review status: criteria provided, single submitter. Criteria: ACMG Guidelines, 2015. Collection method: clinical testing. Allele origin: germline.